The following is an entry in ClinVar:

NM_004629.2(FANCG):c.841C>T (p.Pro281Ser)

Gene: FANCG (FA complementation group G; minus strand). Cytogenetic location: 9p13.3.
Variant type: single nucleotide variant.
Coding change: c.841C>T on transcript NM_004629.2 (MANE Select); coding-DNA position 841, C replaced by T.
Protein change: p.Pro281Ser; replaces proline 281 with serine.
Molecular consequence: missense variant.
Genome position (GRCh38, 1-based): chr9:35,076,807, G>A on the plus strand (C>T on the coding strand, the complement: FANCG is on the minus strand). VCF-style: chr9-35076807-G-A. GRCh37 (hg19) VCF-style: chr9-35076804-G-A.
Other names: short protein forms P281S.
Identifiers: ClinVar variation 4619382 (VCV004619382.1).

ClinVar aggregate classification (germline): Uncertain significance (1 of 4 stars; one submission).

Conditions:
Inborn genetic diseases. Identifiers: MedGen C0950123, MeSH D030342.

Submission:

Ambry Genetics
Classification: Uncertain significance for Inborn genetic diseases. Last evaluated: 2025-10-28. Review status: criteria provided, single submitter. Criteria: Ambry Variant Classification Scheme 2023. Collection method: clinical testing. Allele origin: germline.
Comment: The p.P281S variant (also known as c.841C>T), located in coding exon 7 of the FANCG gene, results from a C to T substitution at nucleotide position 841. The proline at codon 281 is replaced by serine, an amino acid with similar properties. This amino acid position is conserved. In addition, this alteration is predicted to be tolerated by in silico analysis. Based on the available evidence, the clinical significance of this variant remains unclear.